The following is an entry in ClinVar:

ClinVar aggregate classification (germline): Uncertain significance. Review status: criteria provided, multiple submitters, no conflicts (2 of 4 stars). 2 submissions from 2 submitters: Uncertain significance (2). Last evaluated 2023-02-23.

Allele frequency attached by ClinVar (database versions not stated): gnomAD exomes 0.00002; ExAC 0.00003; gnomAD 0.00007 and 0.00008; TOPMed 0.00008; ESP Exome Variant Server 0.00016.
gnomAD v4.1: 53 of 1,613,688 alleles (0.0033%); highest among the groups gnomAD compares: African/African-American, 0.015%; no homozygotes.

Submissions (2):

Blueprint Genetics
Classification: Uncertain significance. Last evaluated: 2023-02-23. Review status: criteria provided, single submitter. Criteria: ACMG Guidelines, 2015. Collection method: clinical testing. Allele origin: germline.

Labcorp Genetics (formerly Invitae), Labcorp
Classification: Uncertain significance. Last evaluated: 2019-11-28. Review status: criteria provided, single submitter. Criteria: Invitae Variant Classification Sherloc (09022015). Collection method: clinical testing. Allele origin: germline.
Comment: In summary, the available evidence is currently insufficient to determine the role of this variant in disease. Therefore, it has been classified as a Variant of Uncertain Significance. Algorithms developed to predict the effect of missense changes on protein structure and function (SIFT, PolyPhen-2, Align-GVGD) all suggest that this variant is likely to be tolerated, but these predictions have not been confirmed by published functional studies and their clinical significance is uncertain. This variant has not been reported in the literature in individuals with RGS9-related conditions. This variant is present in population databases (rs201964792, ExAC 0.04%). This sequence change replaces proline with leucine at codon 470 of the RGS9 protein (p.Pro470Leu). The proline residue is moderately conserved and there is a moderate physicochemical difference between proline and leucine.

NM_003835.4(RGS9):c.1409C>T (p.Pro470Leu)

Gene: RGS9 (regulator of G protein signaling 9; plus strand). Cytogenetic location: 17q24.1.
Variant type: single nucleotide variant.
Coding change: c.1409C>T on transcript NM_003835.4 (MANE Select); coding-DNA position 1409, C replaced by T.
Protein change: p.Pro470Leu; replaces proline 470 with leucine.
Molecular consequence: missense variant.
Genome position (GRCh38, 1-based): chr17:65,225,003, C>T. VCF-style: chr17-65225003-C-T. GRCh37 (hg19) VCF-style: chr17-63221121-C-T.
Other names: c.1400C>T, p.Pro467Leu (NM_001081955.3); short protein forms P470L, P467L.
Identifiers: ClinVar variation 841500 (VCV000841500.8), dbSNP rs201964792, ClinGen allele CA8718050.